The following is an entry in ClinVar:

NM_000059.4(BRCA2):c.7018G>C (p.Glu2340Gln)

Gene: BRCA2 (BRCA2 DNA repair associated; plus strand). Cytogenetic location: 13q13.1.
Variant type: single nucleotide variant.
Coding change: c.7018G>C on transcript NM_000059.4 (MANE Select); coding-DNA position 7018, G replaced by C.
Protein change: p.Glu2340Gln; replaces glutamic acid 2340 with glutamine.
Molecular consequence: missense variant. On other transcripts: non-coding transcript variant (1).
Genome position (GRCh38, 1-based): chr13:32,354,871, G>C. VCF-style: chr13-32354871-G-C. GRCh37 (hg19) VCF-style: chr13-32929008-G-C.
Other names: c.6922G>C, p.Glu2308Gln (NM_001406719.1); c.7018G>C, p.Glu2340Gln (NM_001406720.1); c.2086G>C, p.Glu696Gln (NM_001406721.1); c.601G>C, p.Glu201Gln (NM_001406722.1); short protein forms E696Q, E2308Q, E201Q, E2340Q.
Identifiers: ClinVar variation 2851123 (VCV002851123.3), dbSNP rs2137555167, ClinGen allele CA387794099.

ClinVar aggregate classification (germline): Uncertain significance (1 of 4 stars; one submission).

Conditions:
Hereditary breast ovarian cancer syndrome. Also called: Hereditary breast and ovarian cancer syndrome (HBOC); Hereditary breast and ovarian cancer syndrome; Breast and ovarian cancer; BRCA1- and BRCA2-Associated Hereditary Breast and Ovarian Cancer; Hereditary breast and ovarian cancer; Hereditary breast and/or ovarian cancer syndrome. Identifiers: Orphanet 145, MedGen C0677776, MeSH D061325, MONDO:0003582. Disease mechanism: loss of function.

Submission:

Labcorp Genetics (formerly Invitae), Labcorp
Classification: Uncertain significance for Hereditary breast ovarian cancer syndrome. Last evaluated: 2023-03-31. Review status: criteria provided, single submitter. Criteria: Invitae Variant Classification Sherloc (09022015). Collection method: clinical testing. Allele origin: germline.
Comment: This sequence change replaces glutamic acid, which is acidic and polar, with glutamine, which is neutral and polar, at codon 2340 of the BRCA2 protein (p.Glu2340Gln). This variant is not present in population databases (gnomAD no frequency). This variant has not been reported in the literature in individuals affected with BRCA2-related conditions. Advanced modeling of protein sequence and biophysical properties (such as structural, functional, and spatial information, amino acid conservation, physicochemical variation, residue mobility, and thermodynamic stability) performed at Invitae indicates that this missense variant is not expected to disrupt BRCA2 protein function. In summary, the available evidence is currently insufficient to determine the role of this variant in disease. Therefore, it has been classified as a Variant of Uncertain Significance.